The following is an entry in ClinVar:

NM_001318852.2(MAPK8IP3):c.3453G>C (p.Leu1151=)

Gene: MAPK8IP3 (mitogen-activated protein kinase 8 interacting protein 3; plus strand). Cytogenetic location: 16p13.3.
Variant type: single nucleotide variant.
Coding change: c.3453G>C on transcript NM_001318852.2 (MANE Select); coding-DNA position 3453, G replaced by C.
Protein change: p.Leu1151=; no amino-acid change (leucine 1151 retained).
Molecular consequence: synonymous variant.
Genome position (GRCh38, 1-based): chr16:1,767,848, G>C. VCF-style: chr16-1767848-G-C. GRCh37 (hg19) VCF-style: chr16-1817849-G-C.
Other names: c.3432G>C, p.Leu1144= (NM_001040439.2); c.3450G>C, p.Leu1150= (NM_015133.5).
Identifiers: ClinVar variation 4822492 (VCV004822492.4).

ClinVar aggregate classification (germline): Likely benign (1 of 4 stars; one submission).

Submission:

CeGaT Center for Human Genetics Tuebingen
Classification: Likely benign. Last evaluated: 2026-02-01. Review status: criteria provided, single submitter. Criteria: CeGaT Center For Human Genetics Tuebingen Variant Classification Criteria Version 2. Collection method: clinical testing. Allele origin: germline. Affected: yes. Observed: 1 variant allele.
Comment: MAPK8IP3: BP4, BP7